The following is an entry in ClinVar:

NM_031935.3(HMCN1):c.2105C>T (p.Pro702Leu)

Gene: HMCN1 (hemicentin 1; plus strand). Cytogenetic location: 1q31.1.
Variant type: single nucleotide variant.
Coding change: c.2105C>T on transcript NM_031935.3 (MANE Select); coding-DNA position 2105, C replaced by T.
Protein change: p.Pro702Leu; replaces proline 702 with leucine.
Molecular consequence: missense variant.
Genome position (GRCh38, 1-based): chr1:185,965,808, C>T. VCF-style: chr1-185965808-C-T. GRCh37 (hg19) VCF-style: chr1-185934940-C-T.
Other names: short protein forms P702L.
Identifiers: ClinVar variation 1956237 (VCV001956237.5), dbSNP rs777829214, ClinGen allele CA343877253.
Genomic context (GRCh38, chr1:185,965,808, plus strand): 5'-AATCCATCTGGTCTTGTGCTAAATGTTGACTATTTGCGTTTTTGTTTTTTTCAGAAGCCC[C>T]TAAGTTGATGGTAGTTCAGAGTGAGCTCTTGGTTGCCCTTGGGGATATAACCGTTATGGA-3'
Protein context (NP_114141.2, residues 692-712): QNSTLRYIEA[Pro702Leu]KLMVVQSELL

ClinVar aggregate classification (germline): Uncertain significance (1 of 4 stars; one submission).

Submission:

Labcorp Genetics (formerly Invitae), Labcorp
Classification: Uncertain significance. Last evaluated: 2025-03-17. Review status: criteria provided, single submitter. Criteria: Invitae Variant Classification Sherloc (09022015). Collection method: clinical testing. Allele origin: germline.
Comment: This sequence change replaces proline, which is neutral and non-polar, with leucine, which is neutral and non-polar, at codon 702 of the HMCN1 protein (p.Pro702Leu). This variant is not present in population databases (gnomAD no frequency). This variant has not been reported in the literature in individuals affected with HMCN1-related conditions. ClinVar contains an entry for this variant (Variation ID: 1956237). An algorithm developed to predict the effect of missense changes on protein structure and function (PolyPhen-2) suggests that this variant is likely to be disruptive. In summary, the available evidence is currently insufficient to determine the role of this variant in disease. Therefore, it has been classified as a Variant of Uncertain Significance.